The following is an entry in ClinVar:

ClinVar aggregate classification (germline): Benign. Review status: criteria provided, multiple submitters, no conflicts (2 of 4 stars). 4 submissions from 4 submitters: Benign (4). Last evaluated 2026-03-01.

Conditions:
RFWD3-related disorder. Also called: RFWD3-related condition.

Allele frequency attached by ClinVar (database versions not stated): 1000 Genomes Project 30x 0.00312; 1000 Genomes Project 0.00339; ExAC 0.00626; gnomAD exomes 0.00632; TOPMed 0.00681; gnomAD 0.00707 and 0.00741; ESP Exome Variant Server 0.00769.
gnomAD v4.1: 15,146 of 1,612,422 alleles (0.94%); highest among the groups gnomAD compares: Non-Finnish European, 1.1%; 90 homozygotes.

Submissions (4):

CeGaT Center for Human Genetics Tuebingen
Classification: Benign. Last evaluated: 2026-03-01. Review status: criteria provided, single submitter. Criteria: CeGaT Center For Human Genetics Tuebingen Variant Classification Criteria Version 2. Collection method: clinical testing. Allele origin: germline. Affected: yes. Observed: 8 variant alleles.
Comment: RFWD3: BP4, BP7, BS1, BS2

Labcorp Genetics (formerly Invitae), Labcorp
Classification: Benign. Last evaluated: 2026-02-01. Review status: criteria provided, single submitter. Criteria: Invitae Variant Classification Sherloc (09022015). Collection method: clinical testing. Allele origin: germline.

PreventionGenetics, part of Exact Sciences
Classification: Benign for RFWD3-related condition. Last evaluated: 2026-01-13. Review status: criteria provided, single submitter. Criteria: ACMG Guidelines, 2015. Collection method: clinical testing. Allele origin: germline.
Comment: This variant is classified as benign based on ACMG/AMP sequence variant interpretation guidelines (Richards et al. 2015 PMID: 25741868, with internal and published modifications).

Breakthrough Genomics
Classification: Benign. Review status: criteria provided, single submitter. Criteria: ACMG Guidelines, 2015. Collection method: not provided. Allele origin: germline. Inheritance: Autosomal recessive inheritance. Affected: yes.

NM_018124.4(RFWD3):c.1176G>A (p.Arg392=)

Gene: RFWD3 (ring finger and WD repeat domain 3; minus strand). Cytogenetic location: 16q23.1.
Variant type: single nucleotide variant.
Coding change: c.1176G>A on transcript NM_018124.4 (MANE Select); coding-DNA position 1176, G replaced by A.
Protein change: p.Arg392=; no amino-acid change (arginine 392 retained).
Molecular consequence: synonymous variant.
Genome position (GRCh38, 1-based): chr16:74,637,874, C>T on the plus strand (G>A on the coding strand, the complement: RFWD3 is on the minus strand). VCF-style: chr16-74637874-C-T. GRCh37 (hg19) VCF-style: chr16-74671772-C-T.
Other names: c.1176G>A, p.Arg392= (NM_001370534.1, NM_001370535.1, NM_001370536.1); c.342G>A, p.Arg114= (NM_001370537.1, NM_001370539.1, NM_001370540.1 and 2 more transcripts).
Identifiers: ClinVar variation 780062 (VCV000780062.33), dbSNP rs74603142, ClinGen allele CA8169297.